The following is an entry in ClinVar:

NM_001349884.2(DRAM2):c.233T>A (p.Val78Asp)

Gene: DRAM2 (DNA damage regulated autophagy modulator 2; minus strand). Cytogenetic location: 1p13.3.
Variant type: single nucleotide variant.
Coding change: c.233T>A on transcript NM_001349884.2 (MANE Select); coding-DNA position 233, T replaced by A.
Protein change: p.Val78Asp; replaces valine 78 with aspartic acid.
Molecular consequence: missense variant. On other transcripts: 5 prime UTR variant (1), non-coding transcript variant (3), intron variant (7).
Genome position (GRCh38, 1-based): chr1:111,124,848, A>T on the plus strand (T>A on the coding strand, the complement: DRAM2 is on the minus strand). VCF-style: chr1-111124848-A-T. GRCh37 (hg19) VCF-style: chr1-111667470-A-T.
Other names: c.233T>A, p.Val78Asp (NM_001349881.2, NM_001349882.2, NM_001349885.2 and 1 more transcripts); c.-186T>A (NM_001349891.2); c.-52+1379T>A (NM_001349889.2, NM_001349890.2, NM_001349892.2 and 1 more transcripts); c.41+1379T>A (NM_001349887.2, NM_001349886.2, NM_001349888.2); short protein forms V78D.
Identifiers: ClinVar variation 1349734 (VCV001349734.8), dbSNP rs2101042596, ClinGen allele CA341819361.

ClinVar aggregate classification (germline): Uncertain significance (1 of 4 stars; one submission).

Submission:

Labcorp Genetics (formerly Invitae), Labcorp
Classification: Uncertain significance. Last evaluated: 2023-07-03. Review status: criteria provided, single submitter. Criteria: Invitae Variant Classification Sherloc (09022015). Collection method: clinical testing. Allele origin: germline.
Comment: In summary, the available evidence is currently insufficient to determine the role of this variant in disease. Therefore, it has been classified as a Variant of Uncertain Significance. Advanced modeling of protein sequence and biophysical properties (such as structural, functional, and spatial information, amino acid conservation, physicochemical variation, residue mobility, and thermodynamic stability) performed at Invitae indicates that this missense variant is expected to disrupt DRAM2 protein function. ClinVar contains an entry for this variant (Variation ID: 1349734). This missense change has been observed in individual(s) with retinitis pigmentosa (Invitae). This variant is not present in population databases (gnomAD no frequency). This sequence change replaces valine, which is neutral and non-polar, with aspartic acid, which is acidic and polar, at codon 78 of the DRAM2 protein (p.Val78Asp).